The following is an entry in ClinVar:

ClinVar aggregate classification (germline): Pathogenic. Review status: criteria provided, multiple submitters, no conflicts (2 of 4 stars). 19 submissions from 18 submitters: Pathogenic (18). 1 of the submissions does not count toward it. Last evaluated 2026-01-27.

Conditions:
LIG4-related disorder. Also called: LIG4-related disorders; LIG4-related condition. Identifiers: MedGen CN239380.
Multiple myeloma (MM). Also called: Plasma cell myeloma; Multiple myeloma, somatic. Identifiers: Orphanet 29073, Orphanet 85443, MedGen C0026764, MeSH D009101, MONDO:0009693, OMIM 254500, HP:0006775.
DNA ligase IV deficiency. Identifiers: Orphanet 99812, MedGen C1847827, MONDO:0011686, OMIM 606593.

Submissions 1 to 12 of 19:

3billion
Classification: Pathogenic for DNA ligase IV deficiency. Last evaluated: 2026-01-27. Review status: criteria provided, single submitter. Criteria: ACMG Guidelines, 2015. Collection method: clinical testing. Allele origin: germline. Affected: yes.
Comment: The variant is observed at an extremely low frequency in the gnomAD v4.1.0 dataset (total allele frequency: 0.022%). Predicted Consequence/Location: Frameshift: predicted to result in a loss or disruption of normal protein function through protein truncation. The predicted truncated protein may be shortened by more than 10%. The variant has been reported at least twice as pathogenic with clinical assertions and evidence for the classification (ClinVar ID: VCV000279838 /PMID: 16358361). Therefore, this variant is classified as Pathogenic according to the recommendation of ACMG/AMP guideline.

Labcorp Genetics (formerly Invitae), Labcorp
Classification: Pathogenic for DNA ligase IV deficiency. Last evaluated: 2026-01-13. Review status: criteria provided, single submitter. Criteria: Invitae Variant Classification Sherloc (09022015). Collection method: clinical testing. Allele origin: germline.
Comment: This sequence change creates a premature translational stop signal (p.Lys424Argfs*20) in the LIG4 gene. While this is not anticipated to result in nonsense mediated decay, it is expected to disrupt the last 488 amino acid(s) of the LIG4 protein. This variant is present in population databases (rs772226399, gnomAD 0.02%). This premature translational stop signal has been observed in individual(s) with clinical features of LIG4 syndrome (PMID: 16358631, 24123394, 27612988, 27893162, 29146883). In at least one individual the data is consistent with being in trans (on the opposite chromosome) from a pathogenic variant. It has also been observed to segregate with disease in related individuals. This variant is also known as K424fs. ClinVar contains an entry for this variant (Variation ID: 279838). For these reasons, this variant has been classified as Pathogenic.

Dasa
Classification: Pathogenic. Last evaluated: 2026-01-05. Review status: criteria provided, single submitter. Criteria: DASA Assertion Criteria. Collection method: clinical testing. Allele origin: germline.
Comment: NM_206937.2(LIG4):c.1271_1275del (p.Lys424ArgfsTer20) is a frameshift variant in LIG4 predicted to alter the reading frame and introduce a premature termination codon and is predicted to result in an absent or altered protein product. Loss of function is an established disease mechanism for LIG4-associated disorders. This variant has been recurrently observed in individuals with LIG4-related disorders (PMID: 30719430; PMID: 24123394; PMID: 27612988; PMID: 36221079; PMID: 32471509). Also, this variant is rare in population databases. Based on the currently available evidence, this variant is classified as pathogenic.

Mayo Clinic Laboratories, Mayo Clinic
Classification: Pathogenic. Last evaluated: 2025-10-10. Review status: criteria provided, single submitter. Criteria: ACMG Guidelines, 2015. Collection method: clinical testing. Allele origin: germline. Observed: 1 variant allele.
Comment: PP1, PM3_strong, PVS1_strong

Blueprint Genetics
Classification: Pathogenic for LIG4-related disorders. Last evaluated: 2024-11-13. Review status: criteria provided, single submitter. Criteria: ACMG Guidelines, 2015. Collection method: clinical testing. Allele origin: germline. Affected: yes. Observed: 5 variant alleles.

Women's Health and Genetics/Laboratory Corporation of America, LabCorp
Classification: Pathogenic for DNA ligase IV deficiency. Last evaluated: 2024-07-31. Review status: criteria provided, single submitter. Criteria: LabCorp Variant Classification Summary - May 2015. Collection method: clinical testing. Allele origin: germline.
Comment: Variant summary: LIG4 c.1271_1275delAAAGA (p.Lys424ArgfsX20) results in a premature termination codon, predicted to cause a truncation of the encoded protein or absence of the protein due to nonsense mediated decay, which are commonly known mechanisms for disease. The variant allele was found at a frequency of 0.00016 in 250062 control chromosomes. This frequency is not significantly higher than estimated for a pathogenic variant in LIG4 causing LIG4 Syndrome, allowing no conclusion about variant significance. c.1271_1275delAAAGA has been reported in the literature as a biallelic genotype in multiple individuals affected with LIG4 Syndrome (example, Buck_2006, Murray_2014). These data indicate that the variant is very likely to be associated with disease. At least one publication reports experimental evidence evaluating an impact on protein function. The most pronounced variant effect results in complete ablation of V(D)J recombination activity in-vitro (example, Buck_2006). The following publications have been ascertained in the context of this evaluation (PMID: 16358361, 24123394). ClinVar contains an entry for this variant (Variation ID: 279838). Based on the evidence outlined above, the variant was classified as pathogenic.

Genetic Services Laboratory, University of Chicago
Classification: Pathogenic. Last evaluated: 2024-07-24. Review status: criteria provided, single submitter. Criteria: ACMG Guidelines, 2015. Collection method: clinical testing. Allele origin: germline. Affected: yes.
Comment: DNA sequence analysis of the LIG4 gene demonstrated a five base pair deletion in exon 2, c.1271_1275del. This sequence change results in an amino acid frameshift and creates a premature stop codon 19 amino acids downstream of the change, p.Lys424Argfs*20. This sequence change is predicted to result in an abnormal transcript, which may be degraded, or may lead to the production of a truncated LIG4 protein with potentially abnormal function. This sequence change has been described in the gnomAD database with a frequency of 0.02% in the European subpopulation (dbSNP rs772226399). This sequence change has previously been described in individuals with clinical features of LIG4 syndrome (PMID: 16358631, 24123394, 27612988, 27893162, 29146883, 30719430, 32471509). Functional studies showed this variant may impact sensitivity to radiation (PMID: 16358361, 16585603, 27893162). Collectively, this evidence indicates that this sequence change is pathogenic.

GeneDx
Classification: Pathogenic. Last evaluated: 2023-10-03. Review status: criteria provided, single submitter. Criteria: GeneDx Variant Classification Process June 2021. Collection method: clinical testing. Allele origin: germline. Affected: yes.
Comment: Published functional studies demonstrate a damaging effect on Lig4 protein levels (Buck et al., 2006); Frameshift variant predicted to result in protein truncation, as the last 488 amino acids are replaced with 19 different amino acids, and other loss-of-function variants have been reported downstream in the Human Gene Mutation Database (HGMD); This variant is associated with the following publications: (PMID: 27893162, 26762768, 16358361, 27612988, 16585603, 24123394, 30719430, 31696992, 31980526, 34426522, 29146883, 32471509, 31589614, 35595529, 34313030, 34630384, 35665479, 37437665, 36221079)

Revvity Omics, Revvity
Classification: Pathogenic for DNA ligase IV deficiency. Last evaluated: 2023-02-17. Review status: criteria provided, single submitter. Criteria: ACMG Guidelines, 2015. Collection method: clinical testing. Allele origin: germline.

CeGaT Center for Human Genetics Tuebingen
Classification: Pathogenic. Last evaluated: 2023-01-01. Review status: criteria provided, single submitter. Criteria: CeGaT Center For Human Genetics Tuebingen Variant Classification Criteria Version 2. Collection method: clinical testing. Allele origin: germline. Affected: yes. Observed: 2 variant alleles.
Comment: LIG4: PVS1, PM3, PM2:Supporting

Fulgent Genetics
Classification: Pathogenic for Multiple myeloma; DNA ligase IV deficiency. Last evaluated: 2022-04-18. Review status: criteria provided, single submitter. Criteria: ACMG Guidelines, 2015. Collection method: clinical testing. Allele origin: unknown.

Laboratorio de Genetica e Diagnostico Molecular, Hospital Israelita Albert Einstein
Classification: Pathogenic for DNA ligase IV deficiency. Last evaluated: 2021-02-17. Review status: criteria provided, single submitter. Criteria: ACMG Guidelines, 2015. Collection method: clinical testing. Allele origin: germline. Affected: yes.
Comment: ACMG classification criteria: PVS1 very strong, PS4 moderate, PM3 very strong, PP1 moderate

NM_206937.2(LIG4):c.1271_1275del (p.Lys424fs)

Gene: LIG4 (DNA ligase 4; minus strand). Cytogenetic location: 13q33.3.
Variant type: Deletion.
Coding change: c.1271_1275del on transcript NM_206937.2 (MANE Select); coding-DNA positions 1271 to 1275, 5 bases deleted (AAAGA; older notation c.1271_1275delAAAGA).
Protein change: p.Lys424fs; shifts the reading frame from lysine 424.
Molecular consequence: frameshift variant.
Genome position (GRCh38, 1-based): chr13:108,209,994-108,209,998, TCTTT deleted on the plus strand (AAAGA on the coding strand, the reverse complement: LIG4 is on the minus strand); deleting any 5 consecutive bases within chr13:108,209,994-108,209,999 gives the same sequence; the c. name uses the placement nearest the transcript's 3' end. VCF-style (leftmost placement, unchanged base first): chr13-108209993-CTCTTT-C. GRCh37 (hg19) VCF-style: chr13-108862341-CTCTTT-C.
Other names: p.Lys424Argfs*20; c.1271_1275del5 (NM_002312.3); c.1271_1275del, p.Lys424fs (NM_001098268.2, NM_001352598.2, NM_001352599.2 and 6 more transcripts); c.1070_1074del, p.Lys357fs (NM_001330595.2); c.1307_1311del, p.Lys436fs (NM_001352604.2); c.1271_1275delAAAGA (NM_002312.3); short protein forms K357fs, K424fs, K436fs.
Identifiers: ClinVar variation 279838 (VCV000279838.78), dbSNP rs772226399, ClinGen allele CA7043715.